The following is an entry in ClinVar:

ClinVar aggregate classification (germline): Likely benign (1 of 4 stars; one submission).

Allele frequency attached by ClinVar (database versions not stated): 1000 Genomes Project 0.00020; 1000 Genomes Project 30x 0.00109; TOPMed 0.00402; gnomAD 0.00530; gnomAD exomes 0.03390.

Submission:

CeGaT Center for Human Genetics Tuebingen
Classification: Likely benign. Last evaluated: 2022-11-01. Review status: criteria provided, single submitter. Criteria: CeGaT Center For Human Genetics Tuebingen Variant Classification Criteria Version 2. Collection method: clinical testing. Allele origin: germline. Affected: yes. Observed: 1 variant allele.
Comment: SYNDIG1: BS2

NC_000020.11:g.24469308C>T

Gene: SYNDIG1 (synapse differentiation inducing 1; plus strand). Cytogenetic location: 20p11.21.
Variant type: single nucleotide variant.
Genome position: GRCh38 VCF-style: chr20-24469308-C-T. GRCh37 (hg19) VCF-style: chr20-24449944-C-T.
Identifiers: ClinVar variation 2652246 (VCV002652246.22), dbSNP rs541310662, ClinGen allele CA313909425.